The following is an entry in ClinVar:

ClinVar aggregate classification (germline): Conflicting classifications of pathogenicity. Review status: criteria provided, conflicting classifications (1 of 4 stars). 5 submissions from 5 submitters: Pathogenic (2); Likely pathogenic (2); Uncertain significance (1). Last evaluated 2024-11-04.

Conditions:
Mucopolysaccharidosis, MPS-IV-A (MPS4A). Also called: Morquio syndrome A, mild; MORQUIO SYNDROME A; Mucopolysaccharidosis Type IVA; MPS IVA; Mucopolysaccharidosis type IV A; mucopolysaccharidosis type 4A. Identifiers: Orphanet 309297, Orphanet 582, MedGen C0086651, MONDO:0009659, OMIM 253000.

Submissions (5):

Labcorp Genetics (formerly Invitae), Labcorp
Classification: Pathogenic for Mucopolysaccharidosis, MPS-IV-A. Last evaluated: 2024-11-04. Review status: criteria provided, single submitter. Criteria: Invitae Variant Classification Sherloc (09022015). Collection method: clinical testing. Allele origin: germline.
Comment: This sequence change replaces tryptophan, which is neutral and slightly polar, with arginine, which is basic and polar, at codon 141 of the GALNS protein (p.Trp141Arg). This variant is not present in population databases (gnomAD no frequency). This missense change has been observed in individual(s) with GALNS-related conditions and/or mucopolysaccharidosis type IVA (PMID: 9298823, 24411403, 33752727, 36964972). ClinVar contains an entry for this variant (Variation ID: 197149). An algorithm developed to predict the effect of missense changes on protein structure and function (PolyPhen-2) suggests that this variant is likely to be disruptive. For these reasons, this variant has been classified as Pathogenic.

Genome-Nilou Lab
Classification: Likely pathogenic for Mucopolysaccharidosis, MPS-IV-A. Last evaluated: 2021-11-07. Review status: criteria provided, single submitter. Criteria: ACMG Guidelines, 2015. Collection method: clinical testing. Allele origin: germline. Affected: no.

Laboratory of Diagnosis and Therapy of Lysosomal Disorders, University of Padova
Classification: Uncertain significance for Mucopolysaccharidosis, MPS-IV-A. Last evaluated: 2021-02-01. Review status: criteria provided, single submitter. Criteria: ACMG Guidelines, 2015. Collection method: curation. Allele origin: germline. Affected: yes.
Comment: In vivo functional studies supportive of a damaging effect on the gene product (low to null enzymatic activity in homozygotes; PS3_supporting); the prevalence of the variant in affected individuals is significantly increased compared with the prevalence in controls (PS4_supporting); absent from gnomAD v2.1.1 (PM2_moderate); multiple lines of computational evidence support a deleterious effect on the gene (PP3_supporting)

Illumina Laboratory Services, Illumina
Classification: Likely pathogenic for Mucopolysaccharidosis, MPS-IV-A. Last evaluated: 2017-04-28. Review status: criteria provided, single submitter. Criteria: ICSL Variant Classification Criteria 09 May 2019. Collection method: clinical testing. Allele origin: germline.
Comment: The GALNS c.421T>A (p.Trp141Arg) missense variant has been reported in two studies in which it was identified in a homozygous state in two patients with mucopolysaccharidosis type IV, both exhibiting a severe phenotype (Bunge et al. 1997; Khedhiri et al. 2014). The p.Trp141Arg variant was absent from the 116 control chromosomes and is not observed in the 1000 Genomes Project, the Exome Sequencing Project, or the Exome Aggregation Consortium in an area of good sequence coverage, suggesting it is rare. Negligible GALNS activity was observed in leukocytes extracted from one of the patients (Khedhiri et al. 2014). The Trp141 residue is well-conserved. Structural studies of the 3D structure of human GALNS demonstrated that the residue is located in the hydrophobic core of the enzyme near the active site (Rivera-ColÃ³n et al. 2012). Based on the available evidence, the p.Trp141Arg variant is classified as likely pathogenic for mucopolysaccharidosis type IV. This variant was observed by ICSL as part of a predisposition screen in an ostensibly healthy population.

Eurofins Ntd Llc (ga)
Classification: Pathogenic. Last evaluated: 2015-02-05. Review status: criteria provided, single submitter. Criteria: EGL Classification Definitions 2015. Collection method: clinical testing. Allele origin: germline. Observed: 2 variant alleles, 2 heterozygotes.

Literature cited by the submitters: PubMed 9298823 (cited by 3 submitters); PubMed 24411403 (cited by 3 submitters); PubMed 33752727 (cited by Labcorp Genetics (formerly Invitae), Labcorp); PubMed 36964972 (cited by Labcorp Genetics (formerly Invitae), Labcorp); PubMed 24726177 (cited by Laboratory of Diagnosis and Therapy of Lysosomal Disorders, University of Padova); PubMed 30980944 (cited by Laboratory of Diagnosis and Therapy of Lysosomal Disorders, University of Padova); PubMed 34387910 (cited by Laboratory of Diagnosis and Therapy of Lysosomal Disorders, University of Padova); PubMed 22940367 (cited by Illumina Laboratory Services, Illumina).

NM_000512.5(GALNS):c.421T>A (p.Trp141Arg)

Gene: GALNS (galactosamine (N-acetyl)-6-sulfatase; minus strand). Cytogenetic location: 16q24.3.
Variant type: single nucleotide variant.
Coding change: c.421T>A on transcript NM_000512.5 (MANE Select); coding-DNA position 421, T replaced by A.
Protein change: p.Trp141Arg; replaces tryptophan 141 with arginine.
Molecular consequence: missense variant. On other transcripts: 5 prime UTR variant (1).
Genome position (GRCh38, 1-based): chr16:88,840,993, A>T on the plus strand (T>A on the coding strand, the complement: GALNS is on the minus strand). VCF-style: chr16-88840993-A-T. GRCh37 (hg19) VCF-style: chr16-88907401-A-T.
Other names: c.-135T>A (NM_001323543.2); c.439T>A, p.Trp147Arg (NM_001323544.2); short protein forms W141R, W147R.
Identifiers: ClinVar variation 197149 (VCV000197149.19), dbSNP rs794727625, ClinGen allele CA275246.
Genomic context (GRCh38, chr16:88,840,993, plus strand): 5'-ACCAAGGCCAGGAAGTGGATGGAGCAGGACGCCTGGGCAGGCGTGGCCAGGAGACTTACC[A>T]CTTGCCGACAATCTTGCTGACGTAGCCGGCCTTCTTCAGAAGCTCCGGCAGGAGCTGCTC-3'
Protein context (NP_000503.1, residues 131-151): AGYVSKIVGK[Trp141Arg]HLGHRPQFHP